The following is an entry in ClinVar:

ClinVar aggregate classification (germline): Likely benign. Review status: criteria provided, multiple submitters, no conflicts (2 of 4 stars). 3 submissions from 3 submitters: Likely benign (2). 1 of the submissions does not count toward it. Last evaluated 2025-05-16.

Conditions:
RPS26-related disorder. Also called: RPS26-related condition.
Diamond-Blackfan anemia 10 (DBA10). Also called: RPS26-Related Diamond-Blackfan Anemia. Identifiers: Orphanet 124, MedGen C2750080, MONDO:0013217, OMIM 613309.

Allele frequency attached by ClinVar (database versions not stated): gnomAD exomes 0.00001 and 0.00004; ExAC 0.00004; gnomAD 0.00007 and 0.00008; TOPMed 0.00021; ESP Exome Variant Server 0.00031.
gnomAD v4.1: 32 of 1,604,868 alleles (0.002%); highest among the groups gnomAD compares: African/African-American, 0.039%; no homozygotes.

Submissions (3):

Labcorp Genetics (formerly Invitae), Labcorp
Classification: Likely benign for Diamond-Blackfan anemia 10. Last evaluated: 2025-05-16. Review status: criteria provided, single submitter. Criteria: Invitae Variant Classification Sherloc (09022015). Collection method: clinical testing. Allele origin: germline.

Fulgent Genetics
Classification: Likely benign for Diamond-Blackfan anemia 10. Last evaluated: 2021-09-15. Review status: criteria provided, single submitter. Criteria: ACMG Guidelines, 2015. Collection method: clinical testing. Allele origin: unknown.

PreventionGenetics, part of Exact Sciences
Classification: Likely benign for RPS26-related condition. Last evaluated: 2019-08-06. Review status: no assertion criteria provided. Collection method: clinical testing. Allele origin: germline. Not counted in ClinVar's aggregate classification.
Comment: This variant is classified as likely benign based on ACMG/AMP sequence variant interpretation guidelines (Richards et al. 2015 PMID: 25741868, with internal and published modifications).

NM_001029.5(RPS26):c.63T>A (p.Ile21=)

Gene: RPS26 (ribosomal protein S26; plus strand). Cytogenetic location: 12q13.2.
Variant type: single nucleotide variant.
Coding change: c.63T>A on transcript NM_001029.5 (MANE Select); coding-DNA position 63, T replaced by A.
Protein change: p.Ile21=; no amino-acid change (isoleucine 21 retained).
Molecular consequence: synonymous variant.
Genome position (GRCh38, 1-based): chr12:56,042,484, T>A. VCF-style: chr12-56042484-T-A. GRCh37 (hg19) VCF-style: chr12-56436268-T-A.
Identifiers: ClinVar variation 703119 (VCV000703119.9), dbSNP rs148167449, ClinGen allele CA6621697.